The following is an entry in ClinVar:

NM_012062.5(DNM1L):c.344_349del (p.Thr115_Glu116del)

Gene: DNM1L (dynamin 1 like; plus strand). Cytogenetic location: 12p11.21.
Variant type: Deletion.
Coding change: c.344_349del on transcript NM_012062.5 (MANE Select); coding-DNA positions 344 to 349, 6 bases deleted (CAGAAA; older notation c.344_349delCAGAAA).
Protein change: p.Thr115_Glu116del.
Molecular consequence: inframe deletion. On other transcripts: intron variant (1).
Genome position (GRCh38, 1-based): chr12:32,708,199-32,708,204, CAGAAA deleted; deleting any 6 consecutive bases within chr12:32,708,195-32,708,204 gives the same sequence; the c. name uses the placement nearest the transcript's 3' end. VCF-style (leftmost placement, unchanged base first): chr12-32708194-TGAAACA-T. GRCh37 (hg19) VCF-style: chr12-32861128-TGAAACA-T.
Other names: c.344_349del, p.Thr115_Glu116del (NM_001278463.2, NM_005690.5, NM_012063.4); c.383_388del, p.Thr128_Glu129del (NM_001278464.2, NM_001278465.2, NM_001330380.2); c.131+786_131+791del (NM_001278466.2).
Identifiers: ClinVar variation 2809428 (VCV002809428.3), dbSNP rs2541000749, ClinGen allele CA2739271913.
Genomic context (GRCh38, chr12:32,708,194, plus strand): 5'-TTATTTCAAAAATTTTTAGCTTTACACGGATTTTGATGAAATTCGACAAGAAATTGAAAA[TGAAACA>T]GAAAGAATTTCAGGAAATAATAAGGTAGGCATCTTTTTAGAGCTAGAAGGCATAAGCATC-3'

ClinVar aggregate classification (germline): Likely pathogenic (1 of 4 stars; one submission).

Submission:

Labcorp Genetics (formerly Invitae), Labcorp
Classification: Likely pathogenic. Last evaluated: 2022-12-02. Review status: criteria provided, single submitter. Criteria: Invitae Variant Classification Sherloc (09022015). Collection method: clinical testing. Allele origin: germline.
Comment: In summary, the currently available evidence indicates that the variant is pathogenic, but additional data are needed to prove that conclusively. Therefore, this variant has been classified as Likely Pathogenic. This variant has been observed in individual(s) with autosomal dominant DNM1L-related conditions (Invitae). In at least one individual the variant was observed to be de novo. This variant is not present in population databases (gnomAD no frequency). This variant, c.344_349del, results in the deletion of 2 amino acid(s) of the DNM1L protein (p.Thr115_Glu116del), but otherwise preserves the integrity of the reading frame.